The following is an entry in ClinVar:

NM_130384.3(ATRIP):c.1574C>T (p.Ala525Val)

Genes: ATRIP (ATR interacting protein; plus strand), ATRIP-TREX1 (ATRIP-TREX1 readthrough; plus strand). Cytogenetic location: 3p21.31.
Variant type: single nucleotide variant.
Coding change: c.1574C>T on transcript NM_130384.3 (MANE Select); coding-DNA position 1574, C replaced by T.
Protein change: p.Ala525Val; replaces alanine 525 with valine.
Molecular consequence: missense variant. On other transcripts: non-coding transcript variant (1).
Genome position (GRCh38, 1-based): chr3:48,460,628, C>T. VCF-style: chr3-48460628-C-T. GRCh37 (hg19) VCF-style: chr3-48502027-C-T.
Other names: c.1193C>T, p.Ala398Val (NM_001271022.2); c.1295C>T, p.Ala432Val (NM_001271023.2); c.1574C>T, p.Ala525Val (NM_032166.4); short protein forms A525V, A398V, A432V.
Identifiers: ClinVar variation 3809504 (VCV003809504.1).

ClinVar aggregate classification (germline): Uncertain significance (1 of 4 stars; one submission).

gnomAD v4.1: 3 of 1,614,152 alleles (0.00019%); highest among the groups gnomAD compares: Non-Finnish European, 0.00025%; no homozygotes.

Submission:

Ambry Genetics
Classification: Uncertain significance. Last evaluated: 2025-01-03. Review status: criteria provided, single submitter. Criteria: Ambry Variant Classification Scheme 2023. Collection method: clinical testing. Allele origin: germline.
Comment: The p.A525V variant (also known as c.1574C>T), located in coding exon 8 of the ATRIP gene, results from a C to T substitution at nucleotide position 1574. The alanine at codon 525 is replaced by valine, an amino acid with similar properties. This amino acid position is conserved. In addition, this alteration is predicted to be tolerated by in silico analysis. Based on the available evidence, the clinical significance of this variant remains unclear.